The following is an entry in ClinVar:

ClinVar aggregate classification (germline): Pathogenic (1 of 4 stars; one submission).

Submission:

GeneDx
Classification: Pathogenic. Last evaluated: 2025-08-31. Review status: criteria provided, single submitter. Criteria: GeneDx Variant Classification Process June 2021. Collection method: clinical testing. Allele origin: germline. Affected: yes.
Comment: Canonical splice site variant predicted to result in a null allele in a gene for which loss of function is a known mechanism of disease; This variant is associated with the following publications: (PMID: 39472908)

NM_002662.5(PLD1):c.665+1G>A

Gene: PLD1 (phospholipase D1; minus strand). Cytogenetic location: 3q26.31.
Variant type: single nucleotide variant.
Coding change: c.665+1G>A on transcript NM_002662.5 (MANE Select); the canonical splice donor site of the intron after coding-DNA position 665, G replaced by A.
Molecular consequence: splice donor variant.
Genome position (GRCh38, 1-based): chr3:171,726,017, C>T on the plus strand (G>A on the coding strand, the complement: PLD1 is on the minus strand). VCF-style: chr3-171726017-C-T. GRCh37 (hg19) VCF-style: chr3-171443807-C-T.
Other names: c.665+1G>A (NM_001130081.3).
Identifiers: ClinVar variation 4812895 (VCV004812895.1).